The following is an entry in ClinVar:

ClinVar aggregate classification (germline): Uncertain significance (1 of 4 stars; one submission).

Submission:

GeneDx
Classification: Uncertain significance. Last evaluated: 2024-03-13. Review status: criteria provided, single submitter. Criteria: GeneDx Variant Classification Process June 2021. Collection method: clinical testing. Allele origin: germline. Affected: yes.
Comment: Not observed at significant frequency in large population cohorts (gnomAD); In silico analysis supports that this missense variant has a deleterious effect on protein structure/function; Has not been previously published as pathogenic or benign to our knowledge

NM_001244008.2(KIF1A):c.2896C>T (p.Pro966Ser)

Gene: KIF1A (kinesin family member 1A; minus strand). Cytogenetic location: 2q37.3.
Variant type: single nucleotide variant.
Coding change: c.2896C>T on transcript NM_001244008.2 (MANE Select); coding-DNA position 2896, C replaced by T.
Protein change: p.Pro966Ser; replaces proline 966 with serine.
Molecular consequence: missense variant.
Genome position (GRCh38, 1-based): chr2:240,750,510, G>A on the plus strand (C>T on the coding strand, the complement: KIF1A is on the minus strand). VCF-style: chr2-240750510-G-A. GRCh37 (hg19) VCF-style: chr2-241689927-G-A.
Other names: c.2620C>T, p.Pro874Ser (NM_001320705.2, NM_001330289.2, NM_001379638.1); c.2695C>T, p.Pro899Ser (NM_001330290.2, NM_001379634.1, NM_001379635.1 and 1 more transcripts); c.2971C>T, p.Pro991Ser (NM_001379631.1); c.2845C>T, p.Pro949Ser (NM_001379632.1); c.2869C>T, p.Pro957Ser (NM_001379633.1, NM_001379642.1, NM_001379645.1); c.2593C>T, p.Pro865Ser (NM_001379636.1, NM_001379639.1, NM_001379640.1 and 6 more transcripts); c.2668C>T, p.Pro890Ser (NM_001379637.1, NM_001379648.1); short protein forms P865S, P874S, P890S, P899S, P949S, P957S, P966S, P991S.
Identifiers: ClinVar variation 3340238 (VCV003340238.1).